The following is an entry in ClinVar:

ClinVar aggregate classification (germline): Uncertain significance. Review status: criteria provided, multiple submitters, no conflicts (2 of 4 stars). 2 submissions from 2 submitters: Uncertain significance (2). Last evaluated 2025-01-18.

Allele frequency attached by ClinVar (database versions not stated): 1000 Genomes Project 30x 0.00016; 1000 Genomes Project 0.00040.
gnomAD v4.1: 515 of 1,394,692 alleles (0.037%); highest among the groups gnomAD compares: Non-Finnish European, 0.045%; no homozygotes.

Submissions (2):

Ambry Genetics
Classification: Uncertain significance. Last evaluated: 2025-01-18. Review status: criteria provided, single submitter. Criteria: Ambry Variant Classification Scheme 2023. Collection method: clinical testing. Allele origin: germline.

Labcorp Genetics (formerly Invitae), Labcorp
Classification: Uncertain significance. Last evaluated: 2023-01-15. Review status: criteria provided, single submitter. Criteria: Invitae Variant Classification Sherloc (09022015). Collection method: clinical testing. Allele origin: germline.
Comment: Algorithms developed to predict the effect of missense changes on protein structure and function are either unavailable or do not agree on the potential impact of this missense change (SIFT: "Deleterious"; PolyPhen-2: "Possibly Damaging"; Align-GVGD: "Class C0"). In summary, the available evidence is currently insufficient to determine the role of this variant in disease. Therefore, it has been classified as a Variant of Uncertain Significance. This variant has not been reported in the literature in individuals affected with GAS1-related conditions. This variant is present in population databases (rs568303782, gnomAD 0.05%). This sequence change replaces proline, which is neutral and non-polar, with arginine, which is basic and polar, at codon 74 of the GAS1 protein (p.Pro74Arg).

NM_002048.3(GAS1):c.221C>G (p.Pro74Arg)

Genes: GAS1 (growth arrest specific 1; minus strand), LOC130001972 (ATAC-STARR-seq lymphoblastoid silent region 19998; plus strand). Cytogenetic location: 9q21.33.
Variant type: single nucleotide variant.
Coding change: c.221C>G on transcript NM_002048.3 (MANE Select); coding-DNA position 221, C replaced by G.
Protein change: p.Pro74Arg; replaces proline 74 with arginine.
Molecular consequence: missense variant.
Genome position (GRCh38, 1-based): chr9:86,946,559, G>C on the plus strand (C>G on the coding strand, the complement: GAS1 is on the minus strand). VCF-style: chr9-86946559-G-C. GRCh37 (hg19) VCF-style: chr9-89561474-G-C.
Other names: c.221C>G (NM_002048.2); short protein forms P74R.
Identifiers: ClinVar variation 2039423 (VCV002039423.5), dbSNP rs568303782, ClinGen allele CA196114768.